The following is an entry in ClinVar:

ClinVar aggregate classification (germline): Pathogenic. Review status: criteria provided, single submitter (1 of 4 stars). 3 submissions from 3 submitters: Pathogenic (1). 2 of the submissions do not count toward it. Last evaluated 2022-10-24.

Conditions:
Silver-Russell syndrome 5 (SRS5). Identifiers: MedGen C5394456, MONDO:0020795, OMIM 618908.
Silver-Russell syndrome 1 (SRS1). Also called: Chromosome 7-Related Russell-Silver Syndrome. Identifiers: Orphanet 813, MedGen C5393125, MONDO:0020796, OMIM 180860.

Submissions (3):

GeneDx
Classification: Pathogenic. Last evaluated: 2022-10-24. Review status: criteria provided, single submitter. Criteria: GeneDx Variant Classification Process June 2021. Collection method: clinical testing. Allele origin: germline. Affected: yes.
Comment: Nonsense variant predicted to result in protein truncation or nonsense mediated decay in a gene for which loss of function is a known mechanism of disease; Not observed at significant frequency in large population cohorts (gnomAD); This variant is associated with the following publications: (PMID: 28796236)

OMIM
Classification: Pathogenic for SILVER-RUSSELL SYNDROME 5. Last evaluated: 2024-02-13. Review status: no assertion criteria provided. Collection method: literature only. Allele origin: germline. Not counted in ClinVar's aggregate classification.

Centre de Recherche Saint Antoine,  Université Pierre et Marie Curie
Classification: Pathogenic for Silver-Russell syndrome 1. Review status: no assertion criteria provided. Collection method: research. Allele origin: de novo. Inheritance: Autosomal dominant inheritance. Affected: yes. Study: Genetic disruption of the oncogenic HMGA2-PLAG1-IGF2 pathway causes Silver-Russell Syndrome. Not counted in ClinVar's aggregate classification.

Literature cited by the submitters: PubMed 28796236 (cited by OMIM).

NM_003483.6(HMGA2):c.193C>T (p.Gln65Ter)

Gene: HMGA2 (high mobility group AT-hook 2; plus strand). Cytogenetic location: 12q14.3.
Variant type: single nucleotide variant.
Coding change: c.193C>T on transcript NM_003483.6 (MANE Select); coding-DNA position 193, C replaced by T.
Protein change: p.Gln65Ter; replaces glutamine 65 with a stop codon.
Molecular consequence: nonsense.
Genome position (GRCh38, 1-based): chr12:65,828,082, C>T. VCF-style: chr12-65828082-C-T. GRCh37 (hg19) VCF-style: chr12-66221862-C-T.
Other names: c.193C>T, p.Gln65Ter (NM_001300918.1, NM_001300919.1, NM_001330190.1 and 1 more transcripts); short protein forms Q65*.
Identifiers: ClinVar variation 253034 (VCV000253034.5), dbSNP rs1114167319, ClinGen allele CA385678829.